The following is an entry in ClinVar:

NM_001761.3(CCNF):c.220G>A (p.Ala74Thr)

Gene: CCNF (cyclin F; plus strand). Cytogenetic location: 16p13.3.
Variant type: single nucleotide variant.
Coding change: c.220G>A on transcript NM_001761.3 (MANE Select); coding-DNA position 220, G replaced by A.
Protein change: p.Ala74Thr; replaces alanine 74 with threonine.
Molecular consequence: missense variant. On other transcripts: intron variant (1).
Genome position (GRCh38, 1-based): chr16:2,433,009, G>A. VCF-style: chr16-2433009-G-A. GRCh37 (hg19) VCF-style: chr16-2483010-G-A.
Other names: c.-647+1725G>A (NM_001323538.2); short protein forms A74T.
Identifiers: ClinVar variation 3043448 (VCV003043448.2), dbSNP rs4589553, ClinGen allele CA7841993.

ClinVar aggregate classification (germline): Benign (0 of 4 stars; one submission).

Conditions:
CCNF-related disorder. Also called: CCNF-related condition.

Allele frequency attached by ClinVar (database versions not stated): TOPMed 0.00014; gnomAD 0.00094; gnomAD exomes 0.00175; ExAC 0.00420; 1000 Genomes Project 30x 0.00547; 1000 Genomes Project 0.00579.
gnomAD v4.1: 2,708 of 1,611,484 alleles (0.17%); highest among the groups gnomAD compares: South Asian, 2.8%; 64 homozygotes.

Submission:

PreventionGenetics, part of Exact Sciences
Classification: Benign for CCNF-related condition. Last evaluated: 2019-07-02. Review status: no assertion criteria provided. Collection method: clinical testing. Allele origin: germline.
Comment: This variant is classified as benign based on ACMG/AMP sequence variant interpretation guidelines (Richards et al. 2015 PMID: 25741868, with internal and published modifications).